The following is an entry in ClinVar:

NM_000138.5(FBN1):c.2296del (p.Ile766fs)

Gene: FBN1 (fibrillin 1; minus strand). Cytogenetic location: 15q21.1.
Variant type: Deletion.
Coding change: c.2296del on transcript NM_000138.5 (MANE Select); coding-DNA position 2296, one base deleted (A; older notation c.2296delA).
Protein change: p.Ile766fs; shifts the reading frame from isoleucine 766.
Molecular consequence: frameshift variant.
Genome position (GRCh38, 1-based): chr15:48,496,223, T deleted on the plus strand (A on the coding strand, the reverse complement: FBN1 is on the minus strand). VCF-style (leftmost placement, unchanged base first): chr15-48496222-AT-A. GRCh37 (hg19) VCF-style: chr15-48788419-AT-A.
Other names: c.2296delA (NM_000138.4); c.2296del (NM_000138.4); short protein forms I766fs.
Identifiers: ClinVar variation 1199957 (VCV001199957.9), dbSNP rs2141305162, ClinGen allele CA2499223005.

ClinVar aggregate classification (germline): Pathogenic. Review status: criteria provided, multiple submitters, no conflicts (2 of 4 stars). 2 submissions from 2 submitters: Pathogenic (2). Last evaluated 2025-01-21.

Conditions:
Marfan syndrome (MFS). Also called: MARFAN SYNDROME, TYPE I; Marfan syndrome type 1; Marfan's syndrome; Marfan syndrome, classic; FBN1-Related Marfan Syndrome. Identifiers: Orphanet 284963, Orphanet 558, MedGen C0024796, MONDO:0007947, OMIM 154700.
Familial thoracic aortic aneurysm and aortic dissection (TAAD). Also called: Thoracic aortic aneurysms and dissections. Identifiers: Orphanet 91387, MedGen C4707243, MONDO:0019625.

Submissions (2):

GeneDx
Classification: Pathogenic. Last evaluated: 2025-01-21. Review status: criteria provided, single submitter. Criteria: GeneDx Variant Classification Process June 2021. Collection method: clinical testing. Allele origin: germline. Affected: yes.
Comment: Frameshift variant predicted to result in protein truncation or nonsense mediated decay in a gene for which loss of function is a known mechanism of disease; Not observed at significant frequency in large population cohorts (gnomAD); Has not been previously published as pathogenic or benign to our knowledge; This variant is associated with the following publications: (PMID: 19293843, 12938084, 17657824)

Labcorp Genetics (formerly Invitae), Labcorp
Classification: Pathogenic for Marfan syndrome; Familial thoracic aortic aneurysm and aortic dissection. Last evaluated: 2024-02-22. Review status: criteria provided, single submitter. Criteria: Invitae Variant Classification Sherloc (09022015). Collection method: clinical testing. Allele origin: germline.
Comment: This sequence change creates a premature translational stop signal (p.Ile766Leufs*6) in the FBN1 gene. It is expected to result in an absent or disrupted protein product. Loss-of-function variants in FBN1 are known to be pathogenic (PMID: 17657824, 19293843). This variant is not present in population databases (gnomAD no frequency). This variant has not been reported in the literature in individuals affected with FBN1-related conditions. ClinVar contains an entry for this variant (Variation ID: 1199957). For these reasons, this variant has been classified as Pathogenic.

Literature cited by the submitters: PubMed 17657824 (cited by Labcorp Genetics (formerly Invitae), Labcorp); PubMed 19293843 (cited by Labcorp Genetics (formerly Invitae), Labcorp).